The following is an entry in ClinVar:

ClinVar aggregate classification (germline): Pathogenic (1 of 4 stars; one submission).

Allele frequency attached by ClinVar (database versions not stated): 1000 Genomes Project 30x 0.00016; TOPMed below 0.00001; ExAC 0.00001; gnomAD exomes below 0.00001; gnomAD 0.00001; 1000 Genomes Project 0.00020.
gnomAD v4.1: 4 of 1,608,172 alleles (0.00025%); highest among the groups gnomAD compares: African/African-American, 0.0053%; no homozygotes.

Submission:

Labcorp Genetics (formerly Invitae), Labcorp
Classification: Pathogenic. Last evaluated: 2025-12-14. Review status: criteria provided, single submitter. Criteria: Invitae Variant Classification Sherloc (09022015). Collection method: clinical testing. Allele origin: germline.
Comment: This sequence change creates a premature translational stop signal (p.Gln226*) in the CNGA1 gene. While this is not anticipated to result in nonsense mediated decay, it is expected to disrupt the last 465 amino acid(s) of the CNGA1 protein. This variant is present in population databases (rs200766377, gnomAD 0.007%). This variant has not been reported in the literature in individuals affected with CNGA1-related conditions. ClinVar contains an entry for this variant (Variation ID: 2118498). Algorithms developed to predict the effect of sequence changes on RNA splicing suggest that this variant may disrupt the consensus splice site. This variant disrupts a region of the CNGA1 protein in which other variant(s) (p.Arg658Aspfs*2) have been determined to be pathogenic (PMID: 7479749, 24265693). This suggests that this is a clinically significant region of the protein, and that variants that disrupt it are likely to be disease-causing. For these reasons, this variant has been classified as Pathogenic.

Literature cited by the submitters: PubMed 7479749; PubMed 24265693.

NM_001379270.1(CNGA1):c.664C>T (p.Gln222Ter)

Genes: CNGA1 (cyclic nucleotide gated channel subunit alpha 1; minus strand), LOC101927157 (uncharacterized LOC101927157; plus strand). Cytogenetic location: 4p12.
Variant type: single nucleotide variant.
Coding change: c.664C>T on transcript NM_001379270.1 (MANE Select); coding-DNA position 664, C replaced by T.
Protein change: p.Gln222Ter; replaces glutamine 222 with a stop codon.
Molecular consequence: nonsense.
Genome position (GRCh38, 1-based): chr4:47,937,818, G>A on the plus strand (C>T on the coding strand, the complement: CNGA1 is on the minus strand). VCF-style: chr4-47937818-G-A. GRCh37 (hg19) VCF-style: chr4-47939835-G-A.
Other names: c.664C>T, p.Gln222Ter (NM_000087.5, NM_001142564.2); short protein forms Q222*.
Identifiers: ClinVar variation 2118498 (VCV002118498.4), dbSNP rs200766377, ClinGen allele CA2911209.